The following is an entry in ClinVar:

ClinVar aggregate classification (germline): Likely pathogenic (1 of 4 stars; one submission).

Conditions:
Dilated cardiomyopathy 1G (CMD1G). Identifiers: Orphanet 154, MedGen C1858763, MONDO:0011400, OMIM 604145.
Autosomal recessive limb-girdle muscular dystrophy type 2J (LGMDR10). Also called: Limb-girdle muscular dystrophy, type 2J; MUSCULAR DYSTROPHY, LIMB-GIRDLE, AUTOSOMAL RECESSIVE 10. Identifiers: Orphanet 140922, MedGen C1837342, MONDO:0012127, OMIM 608807.

Submission:

Labcorp Genetics (formerly Invitae), Labcorp
Classification: Likely pathogenic for Dilated cardiomyopathy 1G; Autosomal recessive limb-girdle muscular dystrophy type 2J. Last evaluated: 2025-10-02. Review status: criteria provided, single submitter. Criteria: Invitae Variant Classification Sherloc (09022015). Collection method: clinical testing. Allele origin: germline.
Comment: This sequence change creates a premature translational stop signal (p.Gln9738Thrfs*66) in the TTN gene. While this is not anticipated to result in nonsense mediated decay, it is expected to create a truncated TTN protein. This variant is not present in population databases (gnomAD no frequency). This variant has not been reported in the literature in individuals affected with TTN-related conditions. ClinVar contains an entry for this variant (Variation ID: 1436495). This variant is located in the I band of TTN (PMID: 25589632). Truncating variants in this region have been reported in individuals affected with autosomal recessive centronuclear myopathy (PMID: 23975875, internal data). Truncating variants in this region have also been identified in individuals affected with autosomal dominant dilated cardiomyopathy and/or cardio-related conditions (PMID: 27869827, 32964742, internal data). In summary, the currently available evidence indicates that the variant is pathogenic, but additional data are needed to prove that conclusively. Therefore, this variant has been classified as Likely Pathogenic.

Literature cited by the submitters: PubMed 25589632; PubMed 23975875; PubMed 27869827; PubMed 32964742.

NM_001267550.2(TTN):c.29212_29218del (p.Gln9738fs)

Gene: TTN (titin; minus strand). Cytogenetic location: 2q31.2.
Variant type: Deletion.
Coding change: c.29212_29218del on transcript NM_001267550.2 (MANE Select); coding-DNA positions 29212 to 29218, 7 bases deleted (CAGCTGA; older notation c.29212_29218delCAGCTGA).
Protein change: p.Gln9738fs; shifts the reading frame from glutamine 9738.
Molecular consequence: frameshift variant. On other transcripts: intron variant (3).
Genome position (GRCh38, 1-based): chr2:178,706,656-178,706,662, TCAGCTG deleted on the plus strand (CAGCTGA on the coding strand, the reverse complement: TTN is on the minus strand); deleting any 7 consecutive bases within chr2:178,706,656-178,706,664 gives the same sequence; the c. name uses the placement nearest the transcript's 3' end. VCF-style (leftmost placement, unchanged base first): chr2-178706655-TTCAGCTG-T. GRCh37 (hg19) VCF-style: chr2-179571382-TTCAGCTG-T.
Other names: c.28261_28267del, p.Gln9421fs (NM_001256850.1); c.25480_25486del, p.Gln8494fs (NM_133378.4); c.13282+31420_13282+31426del (NM_003319.4); c.13858+31420_13858+31426del (NM_133437.4); c.13657+31420_13657+31426del (NM_133432.3); short protein forms Q9421fs, Q9738fs, Q8494fs.
Identifiers: ClinVar variation 1436495 (VCV001436495.8), dbSNP rs2154292470, ClinGen allele CA2573133863.